The following is an entry in ClinVar:

NM_001130144.3(LTBP3):c.2240A>G (p.Glu747Gly)

Genes: LTBP3 (latent transforming growth factor beta binding protein 3; minus strand), LOC130006029 (ATAC-STARR-seq lymphoblastoid silent region 3532; plus strand). Cytogenetic location: 11q13.1.
Variant type: single nucleotide variant.
Coding change: c.2240A>G on transcript NM_001130144.3 (MANE Select); coding-DNA position 2240, A replaced by G.
Protein change: p.Glu747Gly; replaces glutamic acid 747 with glycine.
Molecular consequence: missense variant.
Genome position (GRCh38, 1-based): chr11:65,546,555, T>C on the plus strand (A>G on the coding strand, the complement: LTBP3 is on the minus strand). VCF-style: chr11-65546555-T-C. GRCh37 (hg19) VCF-style: chr11-65314026-T-C.
Other names: c.1889A>G, p.Glu630Gly (NM_001164266.1); c.2240A>G, p.Glu747Gly (NM_021070.4); short protein forms E630G, E747G.
Identifiers: ClinVar variation 3686554 (VCV003686554.2).

ClinVar aggregate classification (germline): Uncertain significance (1 of 4 stars; one submission).

Conditions:
Brachyolmia-amelogenesis imperfecta syndrome. Also called: Tooth agenesis, selective, 6; Dental anomalies and short stature; PLATYSPONDYLY WITH AMELOGENESIS IMPERFECTA. Identifiers: Orphanet 2899, MedGen C1832594, MONDO:0011018, OMIM 601216. Disease mechanism: loss of function.

Submission:

Labcorp Genetics (formerly Invitae), Labcorp
Classification: Uncertain significance for Brachyolmia-amelogenesis imperfecta syndrome. Last evaluated: 2024-07-19. Review status: criteria provided, single submitter. Criteria: Invitae Variant Classification Sherloc (09022015). Collection method: clinical testing. Allele origin: germline.
Comment: This sequence change replaces glutamic acid, which is acidic and polar, with glycine, which is neutral and non-polar, at codon 747 of the LTBP3 protein (p.Glu747Gly). This variant is not present in population databases (gnomAD no frequency). This variant has not been reported in the literature in individuals affected with LTBP3-related conditions. An algorithm developed to predict the effect of missense changes on protein structure and function (PolyPhen-2) suggests that this variant is likely to be disruptive. In summary, the available evidence is currently insufficient to determine the role of this variant in disease. Therefore, it has been classified as a Variant of Uncertain Significance.